The following is an entry in ClinVar:

ClinVar aggregate classification (germline): Likely benign (0 of 4 stars; one submission).

Conditions:
PTH-related disorder. Also called: PTH-related condition.

Allele frequency attached by ClinVar (database versions not stated): 1000 Genomes Project 30x 0.00016.

Submission:

PreventionGenetics, part of Exact Sciences
Classification: Likely benign for PTH-related condition. Last evaluated: 2021-12-20. Review status: no assertion criteria provided. Collection method: clinical testing. Allele origin: germline.
Comment: This variant is classified as likely benign based on ACMG/AMP sequence variant interpretation guidelines (Richards et al. 2015 PMID: 25741868, with internal and published modifications).

NC_000011.10:g.13496137C>T

Genes: PTH (parathyroid hormone; minus strand), LOC107988023 (PTH promoter region; plus strand). Cytogenetic location: 11p15.3.
Variant type: single nucleotide variant.
Molecular consequence: 5 prime UTR variant (on NM_001316352.2).
Genome position: GRCh38 VCF-style: chr11-13496137-C-T. GRCh37 (hg19) VCF-style: chr11-13517684-C-T.
Other names: c.-5G>A (NM_001316352.2).
Identifiers: ClinVar variation 3029904 (VCV003029904.2), dbSNP rs755746923, ClinGen allele CA217891098.